The following is an entry in ClinVar:

NM_053025.4(MYLK):c.1192G>C (p.Ala398Pro)

Gene: MYLK (myosin light chain kinase; minus strand). Cytogenetic location: 3q21.1.
Variant type: single nucleotide variant.
Coding change: c.1192G>C on transcript NM_053025.4 (MANE Select); coding-DNA position 1192, G replaced by C.
Protein change: p.Ala398Pro; replaces alanine 398 with proline.
Molecular consequence: missense variant.
Genome position (GRCh38, 1-based): chr3:123,733,804, C>G on the plus strand (G>C on the coding strand, the complement: MYLK is on the minus strand). VCF-style: chr3-123733804-C-G. GRCh37 (hg19) VCF-style: chr3-123452651-C-G.
Other names: c.664G>C, p.Ala222Pro (NM_001321309.2); c.1192G>C, p.Ala398Pro (NM_053026.4, NM_053027.4, NM_053028.4); short protein forms A222P, A398P.
Identifiers: ClinVar variation 1505732 (VCV001505732.8), dbSNP rs2108791428, ClinGen allele CA354239232.

ClinVar aggregate classification (germline): Uncertain significance (1 of 4 stars; one submission).

Conditions:
Aortic aneurysm, familial thoracic 7 (AAT7). Also called: AORTIC DISSECTION, FAMILIAL, WITH OR WITHOUT AORTIC ANEURYSM. Identifiers: MedGen C3151077, MONDO:0013418, OMIM 613780.

Submission:

Labcorp Genetics (formerly Invitae), Labcorp
Classification: Uncertain significance for Aortic aneurysm, familial thoracic 7. Last evaluated: 2021-01-30. Review status: criteria provided, single submitter. Criteria: Invitae Variant Classification Sherloc (09022015). Collection method: clinical testing. Allele origin: germline.
Comment: In summary, the available evidence is currently insufficient to determine the role of this variant in disease. Therefore, it has been classified as a Variant of Uncertain Significance. Advanced modeling of protein sequence and biophysical properties (such as structural, functional, and spatial information, amino acid conservation, physicochemical variation, residue mobility, and thermodynamic stability) performed at Invitae indicates that this missense variant is not expected to disrupt MYLK protein function. This variant has not been reported in the literature in individuals with MYLK-related conditions. This variant is not present in population databases (ExAC no frequency). This sequence change replaces alanine with proline at codon 398 of the MYLK protein (p.Ala398Pro). The alanine residue is weakly conserved and there is a small physicochemical difference between alanine and proline.